The following is an entry in ClinVar:

NM_001540.5(HSPB1):c.253G>T (p.Val85Phe)

Gene: HSPB1 (heat shock protein family B (small) member 1; plus strand). Cytogenetic location: 7q11.23.
Variant type: single nucleotide variant.
Coding change: c.253G>T on transcript NM_001540.5 (MANE Select); coding-DNA position 253, G replaced by T.
Protein change: p.Val85Phe; replaces valine 85 with phenylalanine.
Molecular consequence: missense variant.
Genome position (GRCh38, 1-based): chr7:76,302,965, G>T. VCF-style: chr7-76302965-G-T. GRCh37 (hg19) VCF-style: chr7-75932282-G-T.
Other names: short protein forms V85F.
Identifiers: ClinVar variation 1001251 (VCV001001251.11), dbSNP rs773758650, ClinGen allele CA160899494.

ClinVar aggregate classification (germline): Uncertain significance. Review status: criteria provided, multiple submitters, no conflicts (2 of 4 stars). 2 submissions from 2 submitters: Uncertain significance (2). Last evaluated 2024-05-09.

Conditions:
Charcot-Marie-Tooth disease axonal type 2F (CMT2F). Also called: Charcot-Marie-Tooth Neuropathy Type 2F; CHARCOT-MARIE-TOOTH DISEASE, NEURONAL, TYPE 2F. Identifiers: Orphanet 99940, MedGen C1847823, MONDO:0011687, OMIM 606595.
Neuronopathy, distal hereditary motor, type 2B. Also called: NEURONOPATHY, DISTAL HEREDITARY MOTOR, AUTOSOMAL DOMINANT 3; NEURONOPATHY, DISTAL HEREDITARY MOTOR, HARDING TYPE IIB; NEUROPATHY, DISTAL HEREDITARY MOTOR, HARDING TYPE IIB; HMN IIB. Identifiers: Orphanet 139525, MedGen C2608087, MONDO:0012080, OMIM 608634.

Allele frequency attached by ClinVar (database versions not stated): gnomAD 0.00001; TOPMed 0.00002.

Submissions (2):

Labcorp Genetics (formerly Invitae), Labcorp
Classification: Uncertain significance for Charcot-Marie-Tooth disease axonal type 2F. Last evaluated: 2024-05-09. Review status: criteria provided, single submitter. Criteria: Invitae Variant Classification Sherloc (09022015). Collection method: clinical testing. Allele origin: germline.
Comment: This sequence change replaces valine, which is neutral and non-polar, with phenylalanine, which is neutral and non-polar, at codon 85 of the HSPB1 protein (p.Val85Phe). This variant is not present in population databases (gnomAD no frequency). This variant has not been reported in the literature in individuals affected with HSPB1-related conditions. ClinVar contains an entry for this variant (Variation ID: 1001251). Algorithms developed to predict the effect of missense changes on protein structure and function output the following: SIFT: "Not Available"; PolyPhen-2: "Benign"; Align-GVGD: "Not Available". The phenylalanine amino acid residue is found in multiple mammalian species, which suggests that this missense change does not adversely affect protein function. In summary, the available evidence is currently insufficient to determine the role of this variant in disease. Therefore, it has been classified as a Variant of Uncertain Significance.

Institute of Human Genetics, University of Leipzig Medical Center
Classification: Uncertain significance for Neuronopathy, distal hereditary motor, type 2B. Last evaluated: 2021-12-10. Review status: criteria provided, single submitter. Criteria: ACMG Guidelines, 2015. Collection method: clinical testing. Allele origin: paternal. Affected: yes.
Comment: _x000D_ Criteria applied: PM2_SUP, PP3